The following is an entry in ClinVar:

NM_020458.4(TTC7A):c.1568+3G>A

Gene: TTC7A (tetratricopeptide repeat domain 7A; plus strand). Cytogenetic location: 2p21.
Variant type: single nucleotide variant.
Coding change: c.1568+3G>A on transcript NM_020458.4 (MANE Select); 3 bases into the intron after coding-DNA position 1568, G replaced by A.
Molecular consequence: intron variant.
Genome position (GRCh38, 1-based): chr2:47,023,468, G>A. VCF-style: chr2-47023468-G-A. GRCh37 (hg19) VCF-style: chr2-47250607-G-A.
Other names: c.1466+3G>A (NM_001288953.2); c.1568+3G>A (NM_001288951.2); c.506+3G>A (NM_001288955.2).
Identifiers: ClinVar variation 1376213 (VCV001376213.4), dbSNP rs767713361, ClinGen allele CA1647728.

ClinVar aggregate classification (germline): Uncertain significance (1 of 4 stars; one submission).

Conditions:
Multiple gastrointestinal atresias. Also called: FAMILIAL INTESTINAL POLYATRESIA SYNDROME; Multiple intestinal atresia. Identifiers: Orphanet 2300, MedGen C0220744, MONDO:0009465.

Allele frequency attached by ClinVar (database versions not stated): TOPMed below 0.00001; ExAC 0.00001; gnomAD 0.00001; gnomAD exomes 0.00001 and 0.00005.
gnomAD v4.1: 70 of 1,613,982 alleles (0.0043%); highest among the groups gnomAD compares: Non-Finnish European, 0.0053%; no homozygotes.

Submission:

Labcorp Genetics (formerly Invitae), Labcorp
Classification: Uncertain significance for Multiple gastrointestinal atresias. Last evaluated: 2024-10-16. Review status: criteria provided, single submitter. Criteria: Invitae Variant Classification Sherloc (09022015). Collection method: clinical testing. Allele origin: germline.
Comment: This sequence change falls in intron 13 of the TTC7A gene. It does not directly change the encoded amino acid sequence of the TTC7A protein. It affects a nucleotide within the consensus splice site. This variant is present in population databases (rs767713361, gnomAD 0.002%). This variant has not been reported in the literature in individuals affected with TTC7A-related conditions. ClinVar contains an entry for this variant (Variation ID: 1376213). Variants that disrupt the consensus splice site are a relatively common cause of aberrant splicing (PMID: 17576681, 9536098). Algorithms developed to predict the effect of sequence changes on RNA splicing suggest that this variant is not likely to affect RNA splicing. In summary, the available evidence is currently insufficient to determine the role of this variant in disease. Therefore, it has been classified as a Variant of Uncertain Significance.

Literature cited by the submitters: PubMed 17576681; PubMed 9536098.